The following is an entry in ClinVar:

ClinVar aggregate classification (germline): Pathogenic (1 of 4 stars; one submission).

Allele frequency attached by ClinVar (database versions not stated): gnomAD exomes below 0.00001.

Submission:

Labcorp Genetics (formerly Invitae), Labcorp
Classification: Pathogenic. Last evaluated: 2022-05-20. Review status: criteria provided, single submitter. Criteria: Invitae Variant Classification Sherloc (09022015). Collection method: clinical testing. Allele origin: germline.
Comment: For these reasons, this variant has been classified as Pathogenic. This variant has not been reported in the literature in individuals affected with FAM20C-related conditions. This variant is not present in population databases (gnomAD no frequency). This sequence change creates a premature translational stop signal (p.Gln431*) in the FAM20C gene. It is expected to result in an absent or disrupted protein product. Loss-of-function variants in FAM20C are known to be pathogenic (PMID: 17924334, 22615579, 22732358, 23325605, 25026495).

Literature cited by the submitters: PubMed 17924334; PubMed 22615579; PubMed 22732358; PubMed 23325605; PubMed 25026495.

NM_020223.4(FAM20C):c.1291C>T (p.Gln431Ter)

Gene: FAM20C (FAM20C golgi associated secretory pathway kinase; plus strand). Cytogenetic location: 7p22.3.
Variant type: single nucleotide variant.
Coding change: c.1291C>T on transcript NM_020223.4 (MANE Select); coding-DNA position 1291, C replaced by T.
Protein change: p.Gln431Ter; replaces glutamine 431 with a stop codon.
Molecular consequence: nonsense.
Genome position (GRCh38, 1-based): chr7:256,691, C>T. VCF-style: chr7-256691-C-T. GRCh37 (hg19) VCF-style: chr7-296657-C-T.
Other names: short protein forms Q431*.
Identifiers: ClinVar variation 2127258 (VCV002127258.4), dbSNP rs2534737928, ClinGen allele CA366525544.